The following is an entry in ClinVar:

ClinVar aggregate classification (germline): Uncertain significance. Review status: criteria provided, multiple submitters, no conflicts (2 of 4 stars). 3 submissions from 3 submitters: Uncertain significance (2). 1 of the submissions does not count toward it. Last evaluated 2022-08-22.

Conditions:
Abetalipoproteinaemia (ABL). Also called: MTP DEFICIENCY; Abetalipoproteinemia neuropathy; Apolipoprotein B deficiency; Congenital betalipoprotein deficiency syndrome; Abetalipoproteinemia. Identifiers: Orphanet 14, MedGen C0000744, MONDO:0008692, OMIM 200100, HP:0008181.

Allele frequency attached by ClinVar (database versions not stated): gnomAD exomes 0.00002 and 0.00006; ExAC 0.00004; gnomAD 0.00010 and 0.00011; TOPMed 0.00015.
gnomAD v4.1: 38 of 1,613,476 alleles (0.0024%); highest among the groups gnomAD compares: Admixed American, 0.022%; no homozygotes.

Submissions (3):

Labcorp Genetics (formerly Invitae), Labcorp
Classification: Uncertain significance. Last evaluated: 2022-08-22. Review status: criteria provided, single submitter. Criteria: Invitae Variant Classification Sherloc (09022015). Collection method: clinical testing. Allele origin: germline.
Comment: This sequence change replaces threonine, which is neutral and polar, with methionine, which is neutral and non-polar, at codon 123 of the MTTP protein (p.Thr123Met). This variant is present in population databases (rs754693915, gnomAD 0.02%). This variant has not been reported in the literature in individuals affected with MTTP-related conditions. ClinVar contains an entry for this variant (Variation ID: 596484). Algorithms developed to predict the effect of missense changes on protein structure and function output the following: SIFT: "Tolerated"; PolyPhen-2: "Benign"; Align-GVGD: "Class C0". The methionine amino acid residue is found in multiple mammalian species, which suggests that this missense change does not adversely affect protein function. In summary, the available evidence is currently insufficient to determine the role of this variant in disease. Therefore, it has been classified as a Variant of Uncertain Significance.

Eurofins Ntd Llc (ga)
Classification: Uncertain significance. Last evaluated: 2018-03-29. Review status: criteria provided, single submitter. Criteria: EGL ClinVar v180209 classification definitions. Collection method: clinical testing. Allele origin: germline. Observed: 1 variant allele, 1 heterozygote.

Natera, Inc.
Classification: Uncertain significance for Abetalipoproteinemia. Last evaluated: 2019-12-31. Review status: no assertion criteria provided. Collection method: clinical testing. Allele origin: germline. Not counted in ClinVar's aggregate classification.

NM_001386140.1(MTTP):c.368C>T (p.Thr123Met)

Gene: MTTP (microsomal triglyceride transfer protein; plus strand). Cytogenetic location: 4q23.
Variant type: single nucleotide variant.
Coding change: c.368C>T on transcript NM_001386140.1 (MANE Select); coding-DNA position 368, C replaced by T.
Protein change: p.Thr123Met; replaces threonine 123 with methionine.
Molecular consequence: missense variant.
Genome position (GRCh38, 1-based): chr4:99,583,492, C>T. VCF-style: chr4-99583492-C-T. GRCh37 (hg19) VCF-style: chr4-100504649-C-T.
Other names: c.368C>T, p.Thr123Met (NM_000253.4); c.119C>T, p.Thr40Met (NM_001300785.2); short protein forms T123M, T40M.
Identifiers: ClinVar variation 596484 (VCV000596484.8), dbSNP rs754693915, ClinGen allele CA3021810.